The following is an entry in ClinVar:

NM_001145358.2(SIN3A):c.3735T>C (p.Cys1245=)

Gene: SIN3A (SIN3 transcription regulator family member A; minus strand). Cytogenetic location: 15q24.2.
Variant type: single nucleotide variant.
Coding change: c.3735T>C on transcript NM_001145358.2 (MANE Select); coding-DNA position 3735, T replaced by C.
Protein change: p.Cys1245=; no amino-acid change (cysteine 1245 retained).
Molecular consequence: synonymous variant.
Genome position (GRCh38, 1-based): chr15:75,372,066, A>G on the plus strand (T>C on the coding strand, the complement: SIN3A is on the minus strand). VCF-style: chr15-75372066-A-G. GRCh37 (hg19) VCF-style: chr15-75664407-A-G.
Other names: c.3735T>C, p.Cys1245= (NM_001145357.2, NM_015477.3).
Identifiers: ClinVar variation 1923053 (VCV001923053.6), dbSNP rs371299593, ClinGen allele CA272896277.

ClinVar aggregate classification (germline): Likely benign. Review status: criteria provided, multiple submitters, no conflicts (2 of 4 stars). 2 submissions from 2 submitters: Likely benign (2). Last evaluated 2026-09-01.

Allele frequency attached by ClinVar (database versions not stated): gnomAD 0.00001; gnomAD exomes 0.00001; TOPMed 0.00002; ESP Exome Variant Server 0.00008.
gnomAD v4.1: 12 of 1,614,068 alleles (0.00074%); highest among the groups gnomAD compares: Non-Finnish European, 0.00093%; no homozygotes.

Submissions (2):

CeGaT Center for Human Genetics Tuebingen
Classification: Likely benign. Last evaluated: 2026-09-01. Review status: criteria provided, single submitter. Criteria: CeGaT Center For Human Genetics Tuebingen Variant Classification Criteria Version 2. Collection method: clinical testing. Allele origin: germline. Affected: yes. Observed: 1 variant allele.
Comment: SIN3A: BP4, BP7

Labcorp Genetics (formerly Invitae), Labcorp
Classification: Likely benign. Last evaluated: 2025-07-14. Review status: criteria provided, single submitter. Criteria: Invitae Variant Classification Sherloc (09022015). Collection method: clinical testing. Allele origin: germline.